The following is an entry in ClinVar:

NM_001082486.2(ACD):c.329G>A (p.Gly110Asp)

Gene: ACD (ACD shelterin complex subunit and telomerase recruitment factor; minus strand). Cytogenetic location: 16q22.1.
Variant type: single nucleotide variant.
Coding change: c.329G>A on transcript NM_001082486.2 (MANE Select); coding-DNA position 329, G replaced by A.
Protein change: p.Gly110Asp; replaces glycine 110 with aspartic acid.
Molecular consequence: missense variant.
Genome position (GRCh38, 1-based): chr16:67,659,709, C>T on the plus strand (G>A on the coding strand, the complement: ACD is on the minus strand). VCF-style: chr16-67659709-C-T. GRCh37 (hg19) VCF-style: chr16-67693612-C-T.
Other names: c.329G>A, p.Gly110Asp (NM_001410884.1); c.320G>A, p.Gly107Asp (NM_022914.3); short protein forms G107D, G110D.
Identifiers: ClinVar variation 1750249 (VCV001750249.2), dbSNP rs1243751913, ClinGen allele CA396355737.

ClinVar aggregate classification (germline): Uncertain significance (1 of 4 stars; one submission).

Conditions:
Inborn genetic diseases. Identifiers: MedGen C0950123, MeSH D030342.

Allele frequency attached by ClinVar (database versions not stated): gnomAD exomes below 0.00001.
gnomAD v4.1: 3 of 1,613,384 alleles (0.00019%); highest among the groups gnomAD compares: Admixed American, 0.0017%; no homozygotes.

Submission:

Ambry Genetics
Classification: Uncertain significance for Inborn genetic diseases. Last evaluated: 2024-01-14. Review status: criteria provided, single submitter. Criteria: Ambry Variant Classification Scheme 2023. Collection method: clinical testing. Allele origin: germline.
Comment: The p.G196D variant (also known as c.587G>A), located in coding exon 3 of the ACD gene, results from a G to A substitution at nucleotide position 587. The glycine at codon 196 is replaced by aspartic acid, an amino acid with similar properties. This amino acid position is conserved. In addition, this alteration is predicted to be tolerated by in silico analysis. Since supporting evidence is limited at this time, the clinical significance of this alteration remains unclear.